The following is an entry in ClinVar:

ClinVar aggregate classification (germline): Likely pathogenic (1 of 4 stars; one submission).

gnomAD v4.1: 4 of 1,614,094 alleles (0.00025%); highest among the groups gnomAD compares: East Asian, 0.0067%; no homozygotes.

Submission:

Athena Diagnostics
Classification: Likely pathogenic. Last evaluated: 2024-07-29. Review status: criteria provided, single submitter. Criteria: Athena Diagnostics Criteria. Collection method: clinical testing. Allele origin: unknown.
Comment: The frequency of this variant in the general population is consistent with pathogenicity. This variant is expected to extend the open reading frame, and is therefore not expected to cause loss of protein expression through nonsense-mediated decay. However, it is predicted to disrupt protein function. To the best of our knowledge, this variant has not been reported in individuals with clinical features associated with this gene. However, variants with a similar predicted impact on protein length have been identified in unrelated individuals with clinical features associated with autosomal recessive TPM3-related congenital myopathy. Assessment of experimental evidence suggests this variant results in abnormal protein function. (PMID: 12631719, 19005216, 21357678)

Literature cited by the submitters: PubMed 21357678; PubMed 12196661; PubMed 19005216; PubMed 12631719; PubMed 19953533; PubMed 18382475; PubMed 33124102.

NM_152263.4(TPM3):c.856T>C (p.Ter286Gln)

Gene: TPM3 (tropomyosin 3; minus strand). Cytogenetic location: 1q21.3.
Variant type: single nucleotide variant.
Coding change: c.856T>C on transcript NM_152263.4 (MANE Select); coding-DNA position 856, T replaced by C.
Protein change: p.Ter286Gln.
Molecular consequence: stop lost. On other transcripts: intron variant (12).
Genome position (GRCh38, 1-based): chr1:154,167,939, A>G on the plus strand (T>C on the coding strand, the complement: TPM3 is on the minus strand). VCF-style: chr1-154167939-A-G. GRCh37 (hg19) VCF-style: chr1-154140415-A-G.
Other names: c.856T>C, p.Ter286Gln (NM_001364682.1); c.745T>C, p.Ter249Gln (NM_001364683.1); c.775+2461T>C (NM_001364679.2, NM_001364681.2, NM_001364680.2); c.466+2461T>C (NM_001278188.2); c.664+2461T>C (NM_001043351.2, NM_001043353.2, NM_153649.4 and 1 more transcripts); c.743+1366T>C (NM_001349679.2, NM_001278189.2); c.601+2461T>C (NM_001278190.2); c.394+2461T>C (NM_001278191.2).
Identifiers: ClinVar variation 3571611 (VCV003571611.1).